The following is an entry in ClinVar:

ClinVar aggregate classification (germline): Pathogenic (1 of 4 stars; one submission).

Submission:

Labcorp Genetics (formerly Invitae), Labcorp
Classification: Pathogenic. Last evaluated: 2025-04-27. Review status: criteria provided, single submitter. Criteria: Invitae Variant Classification Sherloc (09022015). Collection method: clinical testing. Allele origin: germline.
Comment: This sequence change creates a premature translational stop signal (p.Arg618*) in the COL11A1 gene. It is expected to result in an absent or disrupted protein product. Loss-of-function variants in COL11A1 are known to be pathogenic (PMID: 20513134, 21035103, 23922384, 25240749, 32427345, 32756486). This variant is not present in population databases (gnomAD no frequency). This variant has not been reported in the literature in individuals affected with COL11A1-related conditions. ClinVar contains an entry for this variant (Variation ID: 1455649). For these reasons, this variant has been classified as Pathogenic.

Literature cited by the submitters: PubMed 20513134; PubMed 21035103; PubMed 23922384; PubMed 25240749; PubMed 32427345; PubMed 32756486.

NM_001854.4(COL11A1):c.1852C>T (p.Arg618Ter)

Gene: COL11A1 (collagen type XI alpha 1 chain; minus strand). Cytogenetic location: 1p21.1.
Variant type: single nucleotide variant.
Coding change: c.1852C>T on transcript NM_001854.4 (MANE Select); coding-DNA position 1852, C replaced by T.
Protein change: p.Arg618Ter; replaces arginine 618 with a stop codon.
Molecular consequence: nonsense. On other transcripts: non-coding transcript variant (1).
Genome position (GRCh38, 1-based): chr1:103,004,655, G>A on the plus strand (C>T on the coding strand, the complement: COL11A1 is on the minus strand). VCF-style: chr1-103004655-G-A. GRCh37 (hg19) VCF-style: chr1-103470211-G-A.
Other names: c.1735C>T, p.Arg579Ter (NM_001190709.2); c.1888C>T, p.Arg630Ter (NM_080629.3); c.1504C>T, p.Arg502Ter (NM_080630.4); short protein forms R579*, R502*, R618*, R630*.
Identifiers: ClinVar variation 1455649 (VCV001455649.6), dbSNP rs1469521034, ClinGen allele CA341173093.
Genomic context (GRCh38, chr1:103,004,655, plus strand): 5'-AGTATTAACATACCCTCATTCCATCATCACCAGGAGGACCTGGAGGACCTTGAGGACCTC[G>A]TTCACCCTGTTAAATCAATACAAATAAGATTAGCATATGGAAAGAAGTAGAATGTTTACA-3'